The following is an entry in ClinVar:

NM_001379200.1(TBX1):c.326C>T (p.Pro109Leu)

Gene: TBX1 (T-box transcription factor 1; plus strand). Cytogenetic location: 22q11.21.
Variant type: single nucleotide variant.
Coding change: c.326C>T on transcript NM_001379200.1 (MANE Select); coding-DNA position 326, C replaced by T.
Protein change: p.Pro109Leu; replaces proline 109 with leucine.
Molecular consequence: missense variant.
Genome position (GRCh38, 1-based): chr22:19,761,169, C>T. VCF-style: chr22-19761169-C-T. GRCh37 (hg19) VCF-style: chr22-19748692-C-T.
Other names: c.299C>T, p.Pro100Leu (NM_005992.1, NM_080646.2, NM_080647.1); short protein forms P100L, P109L.
Identifiers: ClinVar variation 1516989 (VCV001516989.6), dbSNP rs754087937, ClinGen allele CA410681618.

ClinVar aggregate classification (germline): Uncertain significance (1 of 4 stars; one submission).

Conditions:
DiGeorge syndrome. Also called: THIRD AND FOURTH PHARYNGEAL POUCH SYNDROME; Catch22. Identifiers: Orphanet 567, MedGen C0012236, MONDO:0008564, OMIM 188400.

Allele frequency attached by ClinVar (database versions not stated): TOPMed 0.00001.
gnomAD v4.1: 9 of 1,524,424 alleles (0.00059%); highest among the groups gnomAD compares: Non-Finnish European, 0.00079%; no homozygotes.

Submission:

Labcorp Genetics (formerly Invitae), Labcorp
Classification: Uncertain significance for DiGeorge syndrome. Last evaluated: 2022-02-09. Review status: criteria provided, single submitter. Criteria: Invitae Variant Classification Sherloc (09022015). Collection method: clinical testing. Allele origin: germline.
Comment: This variant has not been reported in the literature in individuals affected with TBX1-related conditions. This sequence change replaces proline, which is neutral and non-polar, with leucine, which is neutral and non-polar, at codon 100 of the TBX1 protein (p.Pro100Leu). This variant is not present in population databases (gnomAD no frequency). Algorithms developed to predict the effect of missense changes on protein structure and function are either unavailable or do not agree on the potential impact of this missense change (SIFT: "Tolerated"; PolyPhen-2: "Not Available"; Align-GVGD: "Class C0"). In summary, the available evidence is currently insufficient to determine the role of this variant in disease. Therefore, it has been classified as a Variant of Uncertain Significance.